The following is an entry in ClinVar:

ClinVar aggregate classification (germline): Pathogenic (1 of 4 stars; one submission).

Submission:

Labcorp Genetics (formerly Invitae), Labcorp
Classification: Pathogenic. Last evaluated: 2023-08-05. Review status: criteria provided, single submitter. Criteria: Invitae Variant Classification Sherloc (09022015). Collection method: clinical testing. Allele origin: unknown.
Comment: This variant is a gross deletion of the genomic region encompassing exon(s) 20-26 of the USH2A gene. This variant would be expected to be in-frame, preserving the integrity of the reading frame. This variant has not been reported in the literature in individuals affected with USH2A-related conditions. This variant disrupts a region of the USH2A protein in which other variant(s) (p.Gly1751Arg) have been determined to be pathogenic (PMID: 22135276; Invitae). This suggests that this is a clinically significant region of the protein, and that variants that disrupt it are likely to be disease-causing. For these reasons, this variant has been classified as Pathogenic.

Literature cited by the submitters: PubMed 22135276.

NC_000001.10:g.(?_216256778)_(216363729_?)del

Gene: USH2A (usherin; minus strand). Cytogenetic location: 1q41.
Variant type: Deletion.
Identifiers: ClinVar variation 3248052 (VCV003248052.1).